The following is an entry in ClinVar:

ClinVar aggregate classification (germline): Uncertain significance. Review status: criteria provided, multiple submitters, no conflicts (2 of 4 stars). 4 submissions from 4 submitters: Uncertain significance (3). 1 of the submissions does not count toward it. Last evaluated 2024-11-22.

Conditions:
PSTPIP1-related disorder. Also called: PSTPIP1-related condition.
Inborn genetic diseases. Identifiers: MedGen C0950123, MeSH D030342.
Pyogenic arthritis-pyoderma gangrenosum-acne syndrome (PAPA). Also called: PAPA SYNDROME; FAMILIAL RECURRENT ARTHRITIS. Identifiers: Orphanet 69126, MedGen C1858361, MONDO:0011462, OMIM 604416.

Allele frequency attached by ClinVar (database versions not stated): gnomAD 0.00001; TOPMed 0.00001.

Submissions (4):

Labcorp Genetics (formerly Invitae), Labcorp
Classification: Uncertain significance for Pyogenic arthritis-pyoderma gangrenosum-acne syndrome. Last evaluated: 2024-11-22. Review status: criteria provided, single submitter. Criteria: Invitae Variant Classification Sherloc (09022015). Collection method: clinical testing. Allele origin: germline.
Comment: This sequence change replaces serine, which is neutral and polar, with leucine, which is neutral and non-polar, at codon 132 of the PSTPIP1 protein (p.Ser132Leu). This variant is present in population databases (no rsID available, gnomAD 0.001%). This variant has not been reported in the literature in individuals affected with PSTPIP1-related conditions. ClinVar contains an entry for this variant (Variation ID: 1441089). Invitae Evidence Modeling of protein sequence and biophysical properties (such as structural, functional, and spatial information, amino acid conservation, physicochemical variation, residue mobility, and thermodynamic stability) indicates that this missense variant is not expected to disrupt PSTPIP1 protein function with a negative predictive value of 80%. In summary, the available evidence is currently insufficient to determine the role of this variant in disease. Therefore, it has been classified as a Variant of Uncertain Significance.

Ambry Genetics
Classification: Uncertain significance for Inborn genetic diseases. Last evaluated: 2024-06-18. Review status: criteria provided, single submitter. Criteria: Ambry Variant Classification Scheme 2023. Collection method: clinical testing. Allele origin: germline.

Breakthrough Genomics
Classification: Uncertain significance. Review status: criteria provided, single submitter. Criteria: ACMG Guidelines, 2015. Collection method: not provided. Allele origin: germline. Inheritance: Autosomal dominant inheritance. Affected: yes.

PreventionGenetics, part of Exact Sciences
Classification: Uncertain significance for PSTPIP1-related condition. Last evaluated: 2024-04-03. Review status: no assertion criteria provided. Collection method: clinical testing. Allele origin: germline. Not counted in ClinVar's aggregate classification.
Comment: The PSTPIP1 c.395C>T variant is predicted to result in the amino acid substitution p.Ser132Leu. To our knowledge, this variant has not been reported in the literature. This variant is reported in 0.0011% of alleles in individuals of European (Non-Finnish) descent in gnomAD. At this time, the clinical significance of this variant is uncertain due to the absence of conclusive functional and genetic evidence.

NM_003978.5(PSTPIP1):c.395C>T (p.Ser132Leu)

Gene: PSTPIP1 (proline-serine-threonine phosphatase interacting protein 1; plus strand). Cytogenetic location: 15q24.3.
Variant type: single nucleotide variant.
Coding change: c.395C>T on transcript NM_003978.5 (MANE Select); coding-DNA position 395, C replaced by T.
Protein change: p.Ser132Leu; replaces serine 132 with leucine.
Molecular consequence: missense variant. On other transcripts: non-coding transcript variant (1).
Genome position (GRCh38, 1-based): chr15:77,027,892, C>T. VCF-style: chr15-77027892-C-T. GRCh37 (hg19) VCF-style: chr15-77320233-C-T.
Other names: c.395C>T (NM_003978.3, NM_003978.4); c.395C>T, p.Ser132Leu (NM_001321135.2); c.368C>T, p.Ser123Leu (NM_001321136.2); c.590C>T, p.Ser197Leu (NM_001321137.1); short protein forms S132L, S123L, S197L.
Identifiers: ClinVar variation 1441089 (VCV001441089.9), dbSNP rs777409558, ClinGen allele CA273754509.